The following is an entry in ClinVar:

ClinVar aggregate classification (germline): Benign. Review status: criteria provided, multiple submitters, no conflicts (2 of 4 stars). 9 submissions from 9 submitters: Benign (8). 1 of the submissions does not count toward it. Last evaluated 2026-02-02.

Conditions:
TH-deficient dopa-responsive dystonia. Also called: DYT-TH; Segawa syndrome, autosomal recessive; Tyrosine Hydroxylase-Deficient Dopa-Responsive Dystonia. Identifiers: Orphanet 101150, MedGen C2673535, MONDO:0011551, OMIM 605407.

Allele frequency attached by ClinVar (database versions not stated): gnomAD exomes 0.00164 and 0.00382; ESP Exome Variant Server 0.01441; gnomAD 0.01512 and 0.01611; 1000 Genomes Project 30x 0.01437; 1000 Genomes Project 0.01577; TOPMed 0.01722; ExAC 0.00753.
gnomAD v4.1: 4,772 of 1,591,946 alleles (0.3%); highest among the groups gnomAD compares: African/African-American, 5.2%; 121 homozygotes.

Submissions (10):

Labcorp Genetics (formerly Invitae), Labcorp
Classification: Benign for TH-deficient dopa-responsive dystonia. Last evaluated: 2026-02-02. Review status: criteria provided, single submitter. Criteria: Invitae Variant Classification Sherloc (09022015). Collection method: clinical testing. Allele origin: germline.

Mayo Clinic Laboratories, Mayo Clinic
Classification: Benign. Last evaluated: 2022-03-24. Review status: criteria provided, single submitter. Criteria: ACMG Guidelines, 2015. Collection method: clinical testing. Allele origin: germline. Observed: 1 variant allele.

Women's Health and Genetics/Laboratory Corporation of America, LabCorp
Classification: Benign. Last evaluated: 2021-12-10. Review status: criteria provided, single submitter. Criteria: LabCorp Variant Classification Summary - May 2015. Collection method: clinical testing. Allele origin: germline.

Fulgent Genetics
Classification: Benign for TH-deficient dopa-responsive dystonia. Last evaluated: 2021-09-01. Review status: criteria provided, single submitter. Criteria: ACMG Guidelines, 2015. Collection method: clinical testing. Allele origin: unknown.

GeneDx
Classification: Benign. Last evaluated: 2018-07-17. Review status: criteria provided, single submitter. Criteria: GeneDx Variant Classification Process June 2021. Collection method: clinical testing. Allele origin: germline. Affected: yes.

Illumina Laboratory Services, Illumina
Classification: Benign for TH-deficient dopa-responsive dystonia. Last evaluated: 2018-01-13. Review status: criteria provided, single submitter. Criteria: ICSL Variant Classification Criteria 13 December 2019. Collection method: clinical testing. Allele origin: germline.
Comment: This variant was observed in the ICSL laboratory as part of a predisposition screen in an ostensibly healthy population. It had not been previously curated by ICSL or reported in the Human Gene Mutation Database (HGMD: prior to June 1st, 2018), and was therefore a candidate for classification through an automated scoring system. Utilizing variant allele frequency, disease prevalence and penetrance estimates, and inheritance mode, an automated score was calculated to assess if this variant is too frequent to cause the disease. Based on the score and internal cut-off values, a variant classified as benign is not then subjected to further curation. The score for this variant resulted in a classification of benign for this disease.

Athena Diagnostics
Classification: Benign. Last evaluated: 2017-05-08. Review status: criteria provided, single submitter. Criteria: Athena Diagnostics Criteria. Collection method: clinical testing. Allele origin: germline.

Breakthrough Genomics
Classification: Benign. Review status: criteria provided, single submitter. Criteria: ACMG Guidelines, 2015. Collection method: not provided. Allele origin: germline. Inheritance: Autosomal recessive inheritance. Affected: yes.

Natera, Inc.
Classification: Benign for Autosomal recessive Segawa syndrome. Last evaluated: 2020-09-16. Review status: no assertion criteria provided. Collection method: clinical testing. Allele origin: germline. Not counted in ClinVar's aggregate classification.

Dr. Peter K. Rogan Lab, Western University
No classification provided (evidence only). Condition: Gastric cancer. Review status: no classification provided. Collection method: in vitro. Allele origin: not applicable. Functional consequence: retained intron. Not counted in ClinVar's aggregate classification.

NM_000360.4(TH):c.1035G>T (p.Ala345=)

Gene: TH (tyrosine hydroxylase; minus strand). Cytogenetic location: 11p15.5.
Variant type: single nucleotide variant.
Coding change: c.1035G>T on transcript NM_000360.4 (MANE Select); coding-DNA position 1035, G replaced by T.
Protein change: p.Ala345=; no amino-acid change (alanine 345 retained).
Molecular consequence: synonymous variant.
Genome position (GRCh38, 1-based): chr11:2,166,492, C>A on the plus strand (G>T on the coding strand, the complement: TH is on the minus strand). VCF-style: chr11-2166492-C-A. GRCh37 (hg19) VCF-style: chr11-2187722-C-A.
Other names: p.Ala376=; c.1128G>T, p.Ala376= (NM_199292.3); c.1116G>T, p.Ala372= (NM_199293.3).
Identifiers: ClinVar variation 304073 (VCV000304073.21), dbSNP rs11826260, ClinGen allele CA5818410.